The following is an entry in ClinVar:

ClinVar aggregate classification (germline): Benign/Likely benign. Review status: criteria provided, multiple submitters, no conflicts (2 of 4 stars). 2 submissions from 2 submitters: Benign (1); Likely benign (1). Last evaluated 2018-09-16.

Conditions:
Inborn genetic diseases. Identifiers: MedGen C0950123, MeSH D030342.
Childhood apraxia of speech (SPCH1). Also called: DEVELOPMENTAL VERBAL DYSPRAXIA; Speech language disorder; FOXP2-Related Speech and Language Disorder; SPEECH AND LANGUAGE DISORDER WITH OROFACIAL DYSPRAXIA. Identifiers: Orphanet 209908, MedGen C0750927, MONDO:0011184, OMIM 602081.

Allele frequency attached by ClinVar (database versions not stated): TOPMed 0.00003; gnomAD 0.00004 and 0.00007; gnomAD exomes 0.00006 and 0.00007; ExAC 0.00007; ESP Exome Variant Server 0.00015; 1000 Genomes Project 30x 0.00031; 1000 Genomes Project 0.00040.
gnomAD v4.1: 103 of 1,612,940 alleles (0.0064%); highest among the groups gnomAD compares: Middle Eastern, 0.066%; no homozygotes.

Submissions (2):

Ambry Genetics
Classification: Likely benign for Inborn genetic diseases. Last evaluated: 2018-09-16. Review status: criteria provided, single submitter. Criteria: Ambry Variant Classification Scheme 2023. Collection method: clinical testing. Allele origin: germline.

Illumina Laboratory Services, Illumina
Classification: Benign for Childhood apraxia of speech. Last evaluated: 2018-01-12. Review status: criteria provided, single submitter. Criteria: ICSL Variant Classification Criteria 13 December 2019. Collection method: clinical testing. Allele origin: germline.
Comment: This variant was observed in the ICSL laboratory as part of a predisposition screen in an ostensibly healthy population. It had not been previously curated by ICSL or reported in the Human Gene Mutation Database (HGMD: prior to June 1st, 2018), and was therefore a candidate for classification through an automated scoring system. Utilizing variant allele frequency, disease prevalence and penetrance estimates, and inheritance mode, an automated score was calculated to assess if this variant is too frequent to cause the disease. Based on the score and internal cut-off values, a variant classified as benign is not then subjected to further curation. The score for this variant resulted in a classification of benign for this disease.

NM_014491.4(FOXP2):c.1686T>C (p.Phe562=)

Gene: FOXP2 (forkhead box P2; plus strand). Cytogenetic location: 7q31.1.
Variant type: single nucleotide variant.
Coding change: c.1686T>C on transcript NM_014491.4 (MANE Select); coding-DNA position 1686, T replaced by C.
Protein change: p.Phe562=; no amino-acid change (phenylalanine 562 retained).
Molecular consequence: synonymous variant. On other transcripts: non-coding transcript variant (2).
Genome position (GRCh38, 1-based): chr7:114,662,103, T>C. VCF-style: chr7-114662103-T-C. GRCh37 (hg19) VCF-style: chr7-114302158-T-C.
Other names: c.1683T>C, p.Phe561= (NM_001172766.3); c.1761T>C, p.Phe587= (NM_148898.4); c.1737T>C, p.Phe579= (NM_148900.4).
Identifiers: ClinVar variation 358608 (VCV000358608.7), dbSNP rs372567072, ClinGen allele CA4446178.
Genomic context (GRCh38, chr7:114,662,103, plus strand): 5'-TCTTCTCTTCTGTCTGCTTTAGAATGCAGTACGTCATAATCTTAGCCTGCACAAGTGTTT[T>C]GTTCGAGTAGAAAATGTTAAAGGAGCAGTATGGACTGTGGATGAAGTAGAATACCAGAAG-3'
Protein context (NP_055306.1, residues 552-572): VRHNLSLHKC[Phe562=]VRVENVKGAV